The following is an entry in ClinVar:

NM_018943.3(TUBA8):c.223G>A (p.Val75Met)

Gene: TUBA8 (tubulin alpha 8; plus strand). Cytogenetic location: 22q11.21.
Variant type: single nucleotide variant.
Coding change: c.223G>A on transcript NM_018943.3 (MANE Select); coding-DNA position 223, G replaced by A.
Protein change: p.Val75Met; replaces valine 75 with methionine.
Molecular consequence: missense variant.
Genome position (GRCh38, 1-based): chr22:18,121,698, G>A. VCF-style: chr22-18121698-G-A. GRCh37 (hg19) VCF-style: chr22-18604465-G-A.
Other names: c.25G>A, p.Val9Met (NM_001193414.2); short protein forms V75M, V9M.
Identifiers: ClinVar variation 4743106 (VCV004743106.1).

ClinVar aggregate classification (germline): Uncertain significance (1 of 4 stars; one submission).

Submission:

Labcorp Genetics (formerly Invitae), Labcorp
Classification: Uncertain significance. Last evaluated: 2026-01-28. Review status: criteria provided, single submitter. Criteria: Invitae Variant Classification Sherloc (09022015). Collection method: clinical testing. Allele origin: germline.
Comment: This sequence change replaces valine, which is neutral and non-polar, with methionine, which is neutral and non-polar, at codon 75 of the TUBA8 protein (p.Val75Met). This variant is not present in population databases (gnomAD no frequency). This variant has not been reported in the literature in individuals affected with TUBA8-related conditions. Invitae Evidence Modeling of protein sequence and biophysical properties (such as structural, functional, and spatial information, amino acid conservation, physicochemical variation, residue mobility, and thermodynamic stability) indicates that this missense variant is expected to disrupt TUBA8 protein function with a positive predictive value of 80%. In summary, the available evidence is currently insufficient to determine the role of this variant in disease. Therefore, it has been classified as a Variant of Uncertain Significance.